The following is an entry in ClinVar:

ClinVar aggregate classification (germline): Uncertain significance (1 of 4 stars; one submission).

Conditions:
Jeune thoracic dystrophy. Also called: Short-rib thoracic dysplasia; Jeune syndrome; Infantile thoracic dystrophy; Thoracic pelvic phalangeal dystrophy; Jeune's syndrome; Chondroectodermal dysplasia-like syndrome. Identifiers: Orphanet 474, MedGen C0265275, MONDO:0018770.
Nephronophthisis. Also called: Juvenile Nephronophthisis. Identifiers: Orphanet 655, MedGen C0687120, MONDO:0019005, HP:0000090.

gnomAD v4.1: 1 of 1,612,342 alleles (0.000062%); highest among the groups gnomAD compares: South Asian, 0.0011%; no homozygotes.

Submission:

Labcorp Genetics (formerly Invitae), Labcorp
Classification: Uncertain significance for Jeune thoracic dystrophy; Nephronophthisis. Last evaluated: 2024-02-23. Review status: criteria provided, single submitter. Criteria: Invitae Variant Classification Sherloc (09022015). Collection method: clinical testing. Allele origin: germline.
Comment: This sequence change replaces glutamine, which is neutral and polar, with glutamic acid, which is acidic and polar, at codon 412 of the TTC21B protein (p.Gln412Glu). This variant is not present in population databases (gnomAD no frequency). This variant has not been reported in the literature in individuals affected with TTC21B-related conditions. ClinVar contains an entry for this variant (Variation ID: 1417417). Advanced modeling of protein sequence and biophysical properties (such as structural, functional, and spatial information, amino acid conservation, physicochemical variation, residue mobility, and thermodynamic stability) performed at Invitae indicates that this missense variant is not expected to disrupt TTC21B protein function with a negative predictive value of 95%. In summary, the available evidence is currently insufficient to determine the role of this variant in disease. Therefore, it has been classified as a Variant of Uncertain Significance.

NM_024753.5(TTC21B):c.1234C>G (p.Gln412Glu)

Gene: TTC21B (tetratricopeptide repeat domain 21B; minus strand). Cytogenetic location: 2q24.3.
Variant type: single nucleotide variant.
Coding change: c.1234C>G on transcript NM_024753.5 (MANE Select); coding-DNA position 1234, C replaced by G.
Protein change: p.Gln412Glu; replaces glutamine 412 with glutamic acid.
Molecular consequence: missense variant.
Genome position (GRCh38, 1-based): chr2:165,929,287, G>C on the plus strand (C>G on the coding strand, the complement: TTC21B is on the minus strand). VCF-style: chr2-165929287-G-C. GRCh37 (hg19) VCF-style: chr2-166785797-G-C.
Other names: short protein forms Q412E.
Identifiers: ClinVar variation 1417417 (VCV001417417.8), dbSNP rs2105343199, ClinGen allele CA349065459.
Genomic context (GRCh38, chr2:165,929,287, plus strand): 5'-CTTCTAATTGTGAAAAGTGAGTGTCCAGGACATCATTTAACAAATTAATAACTTCTTCTT[G>C]TCGTTTATTTTTCTTCATGGCAAGAACTGCATGTAAATAGATTAATTCCTAGAAAATAAG-3'
Protein context (NP_079029.3, residues 402-422): AVLAMKKNKR[Gln412Glu]EEVINLLNDV